The following is an entry in ClinVar:

NM_014423.4(AFF4):c.2090A>G (p.Glu697Gly)

Gene: AFF4 (ALF transcription elongation factor 4; minus strand). Cytogenetic location: 5q31.1.
Variant type: single nucleotide variant.
Coding change: c.2090A>G on transcript NM_014423.4 (MANE Select); coding-DNA position 2090, A replaced by G.
Protein change: p.Glu697Gly; replaces glutamic acid 697 with glycine.
Molecular consequence: missense variant.
Genome position (GRCh38, 1-based): chr5:132,896,540, T>C on the plus strand (A>G on the coding strand, the complement: AFF4 is on the minus strand). VCF-style: chr5-132896540-T-C. GRCh37 (hg19) VCF-style: chr5-132232232-T-C.
Other names: short protein forms E697G.
Identifiers: ClinVar variation 2582007 (VCV002582007.2), dbSNP rs750152041, ClinGen allele CA360934560.
Genomic context (GRCh38, chr5:132,896,540, plus strand): 5'-TTCACAATAAGTGGGTACCTGTCATCAGGCTCACTGAGGGGTGAAAGAAGTTCCTTCTCT[T>C]CCATAGGAGAGAACATTCGTTGCCGAAAAAAGCTATCTTCTTCCTCCACTGAGGAGGGTT-3'
Protein context (NP_055238.1, residues 687-707): FFRQRMFSPM[Glu697Gly]EKELLSPLSE

ClinVar aggregate classification (germline): Uncertain significance (1 of 4 stars; one submission).

Submission:

GeneDx
Classification: Uncertain significance. Last evaluated: 2025-06-20. Review status: criteria provided, single submitter. Criteria: GeneDx Variant Classification Process June 2021. Collection method: clinical testing. Allele origin: germline. Affected: yes.
Comment: Not observed at significant frequency in large population cohorts (gnomAD); In silico analysis suggests that this missense variant does not alter protein structure/function; Has not been previously published as pathogenic or benign to our knowledge